The following is an entry in ClinVar:

NM_000083.3(CLCN1):c.913G>A (p.Gly305Arg)

Gene: CLCN1 (chloride voltage-gated channel 1; plus strand). Cytogenetic location: 7q34.
Variant type: single nucleotide variant.
Coding change: c.913G>A on transcript NM_000083.3 (MANE Select); coding-DNA position 913, G replaced by A.
Protein change: p.Gly305Arg; replaces glycine 305 with arginine.
Molecular consequence: missense variant. On other transcripts: non-coding transcript variant (1).
Genome position (GRCh38, 1-based): chr7:143,330,831, G>A. VCF-style: chr7-143330831-G-A. GRCh37 (hg19) VCF-style: chr7-143027924-G-A.
Other names: short protein forms G305R.
Identifiers: ClinVar variation 1039673 (VCV001039673.10), dbSNP rs1802702027, ClinGen allele CA369641610.

ClinVar aggregate classification (germline): Likely pathogenic (1 of 4 stars; one submission).

Conditions:
Congenital myotonia, autosomal dominant form (THD). Also called: THOMSEN DISEASE; Myotonia congenita autosomal dominant. Identifiers: Orphanet 614, MedGen C2936781, MONDO:0008055, OMIM 160800.
Congenital myotonia, autosomal recessive form. Also called: Becker Generalized Myotonia; myotonia congenita, autosomal recessive; BECKER DISEASE. Identifiers: Orphanet 614, MedGen C0751360, MONDO:0009715, OMIM 255700.

Submission:

Labcorp Genetics (formerly Invitae), Labcorp
Classification: Likely pathogenic for Congenital myotonia, autosomal recessive form; Congenital myotonia, autosomal dominant form. Last evaluated: 2023-03-10. Review status: criteria provided, single submitter. Criteria: Invitae Variant Classification Sherloc (09022015). Collection method: clinical testing. Allele origin: germline.
Comment: In summary, the currently available evidence indicates that the variant is pathogenic, but additional data are needed to prove that conclusively. Therefore, this variant has been classified as Likely Pathogenic. This variant disrupts the p.Gly305 amino acid residue in CLCN1. Other variant(s) that disrupt this residue have been observed in individuals with CLCN1-related conditions (PMID: 18337730), which suggests that this may be a clinically significant amino acid residue. Advanced modeling of protein sequence and biophysical properties (such as structural, functional, and spatial information, amino acid conservation, physicochemical variation, residue mobility, and thermodynamic stability) performed at Invitae indicates that this missense variant is expected to disrupt CLCN1 protein function. ClinVar contains an entry for this variant (Variation ID: 1039673). This missense change has been observed in individual(s) with clinical features of autosomal recessive myotonia congenita (Invitae). In at least one individual the data is consistent with being in trans (on the opposite chromosome) from a pathogenic variant. This variant is not present in population databases (gnomAD no frequency). This sequence change replaces glycine, which is neutral and non-polar, with arginine, which is basic and polar, at codon 305 of the CLCN1 protein (p.Gly305Arg).

Literature cited by the submitters: PubMed 18337730.